The following is an entry in ClinVar:

ClinVar aggregate classification (germline): Pathogenic. Review status: criteria provided, multiple submitters, no conflicts (2 of 4 stars). 2 submissions from 2 submitters: Pathogenic (2). Last evaluated 2023-04-20.

Conditions:
Vanishing white matter disease. Also called: CACH syndrome; Childhood ataxia with diffuse central nervous system hypomyelination; Leukoencephalopathy with vanishing white matter; CACH/VWM syndrome; Cree leukoencehalopathy. Identifiers: Orphanet 135, Orphanet 99853, MedGen C1858991, MONDO:0800448.

Submissions (2):

Duke University Health System Sequencing Clinic, Duke University Health System
Classification: Pathogenic for Leukoencephalopathy with vanishing white matter 1. Last evaluated: 2023-04-20. Review status: criteria provided, single submitter. Criteria: ACMG Guidelines, 2015. Collection method: research. Allele origin: maternal. Affected: yes.

Labcorp Genetics (formerly Invitae), Labcorp
Classification: Pathogenic. Last evaluated: 2023-03-29. Review status: criteria provided, single submitter. Criteria: Invitae Variant Classification Sherloc (09022015). Collection method: clinical testing. Allele origin: germline.
Comment: This sequence change creates a premature translational stop signal (p.Lys565Ilefs*38) in the EIF2B5 gene. It is expected to result in an absent or disrupted protein product. Loss-of-function variants in EIF2B5 are known to be pathogenic (PMID: 11704758, 15060152, 21307862). Information on the frequency of this variant in the gnomAD database is not available, as this variant may be reported differently in the database. This premature translational stop signal has been observed in individual(s) with leukoencephalopathy with vanishing white matter (PMID: 28914269). For these reasons, this variant has been classified as Pathogenic.

Literature cited by the submitters: PubMed 28914269 (cited by Duke University Health System Sequencing Clinic, Duke University Health System and Labcorp Genetics (formerly Invitae), Labcorp); PubMed 11704758 (cited by Labcorp Genetics (formerly Invitae), Labcorp); PubMed 15060152 (cited by Labcorp Genetics (formerly Invitae), Labcorp); PubMed 21307862 (cited by Labcorp Genetics (formerly Invitae), Labcorp).

NM_003907.3(EIF2B5):c.1694delinsTTTCTTGTGCATCTCCACTACAGAGGAGCGGGGCATCTCCACTAC (p.Lys565fs)

Gene: EIF2B5 (eukaryotic translation initiation factor 2B subunit epsilon; plus strand). Cytogenetic location: 3q27.1.
Variant type: Indel.
Coding change: c.1694delinsTTTCTTGTGCATCTCCACTACAGAGGAGCGGGGCATCTCCACTAC on transcript NM_003907.3 (MANE Select); coding-DNA position 1694, the reference bases replaced by an inserted sequence.
Protein change: p.Lys565fs; shifts the reading frame from lysine 565.
Molecular consequence: frameshift variant.
Genome position (GRCh38, 1-based): chr3:184,143,091, one base replaced. GRCh37 (hg19), VCF-style position (the base before the change): chr3:183,860,879.
Other names: c.1694delAinsTTTCTTGTGCATCTCCACTACAGAGGAGCGGGGCATCTCCACTAC (NM_003907.3); short protein forms K565fs.
Identifiers: ClinVar variation 2097660 (VCV002097660.5), dbSNP rs2473670814, ClinGen allele CA2580070483.